The following is an entry in ClinVar:

ClinVar aggregate classification (germline): Uncertain significance (1 of 4 stars; one submission).

Submission:

Labcorp Genetics (formerly Invitae), Labcorp
Classification: Uncertain significance. Last evaluated: 2022-03-22. Review status: criteria provided, single submitter. Criteria: Invitae Variant Classification Sherloc (09022015). Collection method: clinical testing. Allele origin: germline.
Comment: In summary, the available evidence is currently insufficient to determine the role of this variant in disease. Therefore, it has been classified as a Variant of Uncertain Significance. Advanced modeling of protein sequence and biophysical properties (such as structural, functional, and spatial information, amino acid conservation, physicochemical variation, residue mobility, and thermodynamic stability) performed at Invitae indicates that this missense variant is expected to disrupt GRIA3 protein function. This variant has not been reported in the literature in individuals affected with GRIA3-related conditions. This variant is not present in population databases (gnomAD no frequency). This sequence change replaces glycine, which is neutral and non-polar, with valine, which is neutral and non-polar, at codon 803 of the GRIA3 protein (p.Gly803Val).

NM_000828.5(GRIA3):c.2408G>T (p.Gly803Val)

Gene: GRIA3 (glutamate ionotropic receptor AMPA type subunit 3; plus strand). Cytogenetic location: Xq25.
Variant type: single nucleotide variant.
Coding change: c.2408G>T on transcript NM_000828.5 (MANE Plus Clinical); coding-DNA position 2408, G replaced by T.
Protein change: p.Gly803Val; replaces glycine 803 with valine.
Molecular consequence: missense variant. On other transcripts: intron variant (1).
Genome position (GRCh38, 1-based): chrX:123,465,757, G>T. VCF-style: chrX-123465757-G-T. GRCh37 (hg19) VCF-style: chrX-122599608-G-T.
Other names: c.2324+645G>T (NM_007325.5); short protein forms G803V.
Identifiers: ClinVar variation 1499979 (VCV001499979.8), dbSNP rs1057521729, ClinGen allele CA414266320.
Genomic context (GRCh38, chrX:123,465,757, plus strand): 5'-TAAAACTGAATGAGCAAGGCCTCTTGGACAAATTGAAAAACAAATGGTGGTACGACAAAG[G>T]AGAGTGCGGCAGCGGGGGCGGTGACTCCAAGGTCAGCCTCAATGTCACCACAACCGGGTA-3'
Protein context (NP_000819.4, residues 793-813): KLKNKWWYDK[Gly803Val]ECGSGGGDSK